The following is an entry in ClinVar:

ClinVar aggregate classification (germline): Uncertain significance (1 of 4 stars; one submission).

Conditions:
Gnathodiaphyseal dysplasia (GDD). Also called: GNATHODIAPHYSEAL SCLEROSIS; OSTEOGENESIS IMPERFECTA WITH UNUSUAL SKELETAL LESIONS. Identifiers: Orphanet 53697, MedGen C1833736, MONDO:0008151, OMIM 166260.
Autosomal recessive limb-girdle muscular dystrophy type 2L (LGMDR12). Also called: Limb-girdle muscular dystrophy, type 2L; MUSCULAR DYSTROPHY, LIMB-GIRDLE, AUTOSOMAL RECESSIVE 12; Limb-Girdle Muscular Dystrophy R12 Anoctamin-5-Related (LGMD-R12). Identifiers: Orphanet 206549, MedGen C1969785, MONDO:0012652, OMIM 611307.

Submission:

Labcorp Genetics (formerly Invitae), Labcorp
Classification: Uncertain significance for Autosomal recessive limb-girdle muscular dystrophy type 2L; Gnathodiaphyseal dysplasia. Last evaluated: 2024-02-22. Review status: criteria provided, single submitter. Criteria: Invitae Variant Classification Sherloc (09022015). Collection method: clinical testing. Allele origin: germline.
Comment: This sequence change replaces isoleucine, which is neutral and non-polar, with valine, which is neutral and non-polar, at codon 300 of the ANO5 protein (p.Ile300Val). This variant is not present in population databases (gnomAD no frequency). This variant has not been reported in the literature in individuals affected with ANO5-related conditions. Algorithms developed to predict the effect of missense changes on protein structure and function output the following: SIFT: "Not Available"; PolyPhen-2: "Benign"; Align-GVGD: "Not Available". The valine amino acid residue is found in multiple mammalian species, which suggests that this missense change does not adversely affect protein function. In summary, the available evidence is currently insufficient to determine the role of this variant in disease. Therefore, it has been classified as a Variant of Uncertain Significance.

NM_213599.3(ANO5):c.898A>G (p.Ile300Val)

Gene: ANO5 (anoctamin 5; plus strand). Cytogenetic location: 11p14.3.
Variant type: single nucleotide variant.
Coding change: c.898A>G on transcript NM_213599.3 (MANE Select); coding-DNA position 898, A replaced by G.
Protein change: p.Ile300Val; replaces isoleucine 300 with valine.
Molecular consequence: missense variant.
Genome position (GRCh38, 1-based): chr11:22,250,256, A>G. VCF-style: chr11-22250256-A-G. GRCh37 (hg19) VCF-style: chr11-22271802-A-G.
Other names: c.895A>G, p.Ile299Val (NM_001142649.2); c.856A>G, p.Ile286Val (NM_001410963.1); c.853A>G, p.Ile285Val (NM_001410964.1); short protein forms I285V, I286V, I299V, I300V.
Identifiers: ClinVar variation 3752115 (VCV003752115.2).